The following is an entry in ClinVar:

NM_145167.3(PIGM):c.1199A>G (p.Asn400Ser)

Gene: PIGM (phosphatidylinositol glycan anchor biosynthesis class M; minus strand). Cytogenetic location: 1q23.2.
Variant type: single nucleotide variant.
Coding change: c.1199A>G on transcript NM_145167.3 (MANE Select); coding-DNA position 1199, A replaced by G.
Protein change: p.Asn400Ser; replaces asparagine 400 with serine.
Molecular consequence: missense variant.
Genome position (GRCh38, 1-based): chr1:160,030,541, T>C on the plus strand (A>G on the coding strand, the complement: PIGM is on the minus strand). VCF-style: chr1-160030541-T-C. GRCh37 (hg19) VCF-style: chr1-160000331-T-C.
Other names: short protein forms N400S.
Identifiers: ClinVar variation 1424323 (VCV001424323.6), dbSNP rs780718300, ClinGen allele CA1192914.
Genomic context (GRCh38, chr1:160,030,541, plus strand): 5'-ATTCTCTCTGTCAGGGGTTCTTCTTTGTAATGGGAAATAATTTGAATCAGGATGGAACAA[T>C]TGATAAGAAGAAAGAACAAACCAGCTAACCAAATAAACAGAAAGGTGTTCTTTCCTTGAA-3'
Protein context (NP_660150.1, residues 390-410): WLAGLFFLLI[Asn400Ser]CSILIQIISH

ClinVar aggregate classification (germline): Uncertain significance (1 of 4 stars; one submission).

Conditions:
Hypercoagulability syndrome due to glycosylphosphatidylinositol deficiency (GPIBD1). Also called: GLYCOSYLPHOSPHATIDYLINOSITOL BIOSYNTHESIS DEFECT 1. Identifiers: Orphanet 83639, MedGen C5201145, MONDO:0012465, OMIM 610293.

Allele frequency attached by ClinVar (database versions not stated): gnomAD 0.00001; ExAC 0.00002; gnomAD exomes 0.00002 and 0.00003; TOPMed 0.00002.

Submission:

Labcorp Genetics (formerly Invitae), Labcorp
Classification: Uncertain significance for Hypercoagulability syndrome due to glycosylphosphatidylinositol deficiency. Last evaluated: 2022-07-12. Review status: criteria provided, single submitter. Criteria: Invitae Variant Classification Sherloc (09022015). Collection method: clinical testing. Allele origin: germline.
Comment: This sequence change replaces asparagine, which is neutral and polar, with serine, which is neutral and polar, at codon 400 of the PIGM protein (p.Asn400Ser). This variant is present in population databases (rs780718300, gnomAD 0.006%). This variant has not been reported in the literature in individuals affected with PIGM-related conditions. ClinVar contains an entry for this variant (Variation ID: 1424323). Algorithms developed to predict the effect of missense changes on protein structure and function (SIFT, PolyPhen-2, Align-GVGD) all suggest that this variant is likely to be disruptive. In summary, the available evidence is currently insufficient to determine the role of this variant in disease. Therefore, it has been classified as a Variant of Uncertain Significance.